The following is an entry in ClinVar:

ClinVar aggregate classification (germline): Uncertain significance (1 of 4 stars; one submission).

Conditions:
Noonan syndrome 9 (NS9). Identifiers: Orphanet 648, MedGen C4225282, MONDO:0014691, OMIM 616559.

Submission:

Labcorp Genetics (formerly Invitae), Labcorp
Classification: Uncertain significance for Noonan syndrome 9. Last evaluated: 2024-04-15. Review status: criteria provided, single submitter. Criteria: Invitae Variant Classification Sherloc (09022015). Collection method: clinical testing. Allele origin: germline.
Comment: This sequence change falls in intron 11 of the SOS2 gene. It does not directly change the encoded amino acid sequence of the SOS2 protein. It affects a nucleotide within the consensus splice site. This variant is not present in population databases (gnomAD no frequency). This variant has not been reported in the literature in individuals affected with SOS2-related conditions. Variants that disrupt the consensus splice site are a relatively common cause of aberrant splicing (PMID: 17576681, 9536098). Algorithms developed to predict the effect of sequence changes on RNA splicing suggest that this variant is not likely to affect RNA splicing. In summary, the available evidence is currently insufficient to determine the role of this variant in disease. Therefore, it has been classified as a Variant of Uncertain Significance.

Literature cited by the submitters: PubMed 17576681; PubMed 9536098.

NM_006939.4(SOS2):c.1935-3T>A

Gene: SOS2 (SOS Ras/Rho guanine nucleotide exchange factor 2; minus strand). Cytogenetic location: 14q21.3.
Variant type: single nucleotide variant.
Coding change: c.1935-3T>A on transcript NM_006939.4 (MANE Select); 3 bases into the intron before coding-DNA position 1935, T replaced by A.
Molecular consequence: intron variant.
Genome position (GRCh38, 1-based): chr14:50,157,124, A>T on the plus strand (T>A on the coding strand, the complement: SOS2 is on the minus strand). VCF-style: chr14-50157124-A-T. GRCh37 (hg19) VCF-style: chr14-50623842-A-T.
Other names: c.1836-3T>A (NM_001411020.1).
Identifiers: ClinVar variation 3649280 (VCV003649280.2).